The following is an entry in ClinVar:

NM_001953.5(TYMP):c.1207G>A (p.Glu403Lys)

Genes: SCO2 (synthesis of cytochrome C oxidase 2; minus strand), TYMP (thymidine phosphorylase; minus strand), LOC130067862 (ATAC-STARR-seq lymphoblastoid silent region 13986; plus strand). Cytogenetic location: 22q13.33.
Variant type: single nucleotide variant.
Coding change: c.1207G>A on transcript NM_001953.5 (MANE Select); coding-DNA position 1207, G replaced by A.
Protein change: p.Glu403Lys; replaces glutamic acid 403 with lysine.
Molecular consequence: missense variant. On other transcripts: 5 prime UTR variant (1), intron variant (1).
Genome position (GRCh38, 1-based): chr22:50,526,094, C>T on the plus strand (G>A on the coding strand, the complement: TYMP is on the minus strand). VCF-style: chr22-50526094-C-T. GRCh37 (hg19) VCF-style: chr22-50964523-C-T.
Other names: c.1207G>A, p.Glu403Lys (NM_001113755.3, NM_001113756.3, NM_001257988.1); c.1222G>A, p.Glu408Lys (NM_001257989.1); c.-107G>A (NM_001169110.1); c.-14+152G>A (NM_001169109.2); short protein forms E408K, E403K.
Identifiers: ClinVar variation 2201013 (VCV002201013.1), dbSNP rs755917995, ClinGen allele CA10321442.

ClinVar aggregate classification (germline): Uncertain significance (1 of 4 stars; one submission).

Allele frequency attached by ClinVar (database versions not stated): TOPMed 0.00003.
gnomAD v4.1: 14 of 1,486,448 alleles (0.00094%); highest among the groups gnomAD compares: Admixed American, 0.023%; no homozygotes.

Submission:

Labcorp Genetics (formerly Invitae), Labcorp
Classification: Uncertain significance. Last evaluated: 2022-04-28. Review status: criteria provided, single submitter. Criteria: Invitae Variant Classification Sherloc (09022015). Collection method: clinical testing. Allele origin: germline.
Comment: This sequence change replaces glutamic acid, which is acidic and polar, with lysine, which is basic and polar, at codon 403 of the TYMP protein (p.Glu403Lys). This variant is present in population databases (rs755917995, gnomAD 0.02%). This variant has not been reported in the literature in individuals affected with TYMP-related conditions. Advanced modeling of protein sequence and biophysical properties (such as structural, functional, and spatial information, amino acid conservation, physicochemical variation, residue mobility, and thermodynamic stability) performed at Invitae indicates that this missense variant is not expected to disrupt TYMP protein function. In summary, the available evidence is currently insufficient to determine the role of this variant in disease. Therefore, it has been classified as a Variant of Uncertain Significance.